The following is an entry in ClinVar:

ClinVar aggregate classification (germline): Uncertain significance (1 of 4 stars; one submission).

Conditions:
Acrocallosal syndrome (ACLS). Also called: Schinzel syndrome 1; Absence of corpus callosum with unusual facial appearance, mental deficiency, duplication of the halluces and polydactyly; HALLUX DUPLICATION, POSTAXIAL POLYDACTYLY, AND ABSENCE OF CORPUS CALLOSUM. Identifiers: Orphanet 36, MedGen C0796147, MONDO:0008708, OMIM 200990.

Allele frequency attached by ClinVar (database versions not stated): gnomAD 0.00001.

Submission:

Labcorp Genetics (formerly Invitae), Labcorp
Classification: Uncertain significance for Acrocallosal syndrome. Last evaluated: 2022-09-13. Review status: criteria provided, single submitter. Criteria: Invitae Variant Classification Sherloc (09022015). Collection method: clinical testing. Allele origin: germline.
Comment: This sequence change replaces proline, which is neutral and non-polar, with serine, which is neutral and polar, at codon 695 of the KIF7 protein (p.Pro695Ser). This variant is not present in population databases (gnomAD no frequency). This variant has not been reported in the literature in individuals affected with KIF7-related conditions. ClinVar contains an entry for this variant (Variation ID: 1494171). Advanced modeling of protein sequence and biophysical properties (such as structural, functional, and spatial information, amino acid conservation, physicochemical variation, residue mobility, and thermodynamic stability) performed at Invitae indicates that this missense variant is not expected to disrupt KIF7 protein function. Algorithms developed to predict the effect of sequence changes on RNA splicing suggest that this variant may create or strengthen a splice site. In summary, the available evidence is currently insufficient to determine the role of this variant in disease. Therefore, it has been classified as a Variant of Uncertain Significance.

NM_198525.3(KIF7):c.2083C>T (p.Pro695Ser)

Gene: KIF7 (kinesin family member 7; minus strand). Cytogenetic location: 15q26.1.
Variant type: single nucleotide variant.
Coding change: c.2083C>T on transcript NM_198525.3 (MANE Select); coding-DNA position 2083, C replaced by T.
Protein change: p.Pro695Ser; replaces proline 695 with serine.
Molecular consequence: missense variant.
Genome position (GRCh38, 1-based): chr15:89,645,121, G>A on the plus strand (C>T on the coding strand, the complement: KIF7 is on the minus strand). VCF-style: chr15-89645121-G-A. GRCh37 (hg19) VCF-style: chr15-90188352-G-A.
Other names: short protein forms P695S.
Identifiers: ClinVar variation 1494171 (VCV001494171.5), dbSNP rs779543411, ClinGen allele CA393763811.